The following is an entry in ClinVar:

ClinVar aggregate classification (germline): Pathogenic (1 of 4 stars; one submission).

Submission:

Labcorp Genetics (formerly Invitae), Labcorp
Classification: Pathogenic. Last evaluated: 2022-03-12. Review status: criteria provided, single submitter. Criteria: Invitae Variant Classification Sherloc (09022015). Collection method: clinical testing. Allele origin: germline.
Comment: For these reasons, this variant has been classified as Pathogenic. This variant has not been reported in the literature in individuals affected with PTPRO-related conditions. This variant is not present in population databases (gnomAD no frequency). This sequence change creates a premature translational stop signal (p.Ser414*) in the PTPRO gene. It is expected to result in an absent or disrupted protein product. Loss-of-function variants in PTPRO are known to be pathogenic (PMID: 21722858).

Literature cited by the submitters: PubMed 21722858.

NM_030667.3(PTPRO):c.1241C>G (p.Ser414Ter)

Gene: PTPRO (protein tyrosine phosphatase receptor type O; plus strand). Cytogenetic location: 12p12.3.
Variant type: single nucleotide variant.
Coding change: c.1241C>G on transcript NM_030667.3 (MANE Select); coding-DNA position 1241, C replaced by G.
Protein change: p.Ser414Ter; replaces serine 414 with a stop codon.
Molecular consequence: nonsense.
Genome position (GRCh38, 1-based): chr12:15,504,043, C>G. VCF-style: chr12-15504043-C-G. GRCh37 (hg19) VCF-style: chr12-15656977-C-G.
Other names: c.1241C>G, p.Ser414Ter (NM_002848.4); short protein forms S414*.
Identifiers: ClinVar variation 2110028 (VCV002110028.4), dbSNP rs2539945228, ClinGen allele CA384027829.